The following is an entry in ClinVar:

ClinVar aggregate classification (germline): Uncertain significance (1 of 4 stars; one submission).

Conditions:
Neuropathy, hereditary sensory and autonomic, type 2A (HSAN2A). Also called: ACROOSTEOLYSIS, GIACCAI TYPE; ACROOSTEOLYSIS, NEUROGENIC; MORVAN DISEASE; NEUROPATHY, CONGENITAL SENSORY; NEUROPATHY, HEREDITARY SENSORY RADICULAR, AUTOSOMAL RECESSIVE; NEUROPATHY, HEREDITARY SENSORY, TYPE IIA. Identifiers: Orphanet 970, MedGen C2752089, MONDO:0024309, OMIM 201300.
Pseudohypoaldosteronism type 2C (PHA2C). Also called: Pseudohypoaldosteronism Type IIC. Identifiers: Orphanet 757, Orphanet 88940, MedGen C1840391, MONDO:0013778, OMIM 614492.

Allele frequency attached by ClinVar (database versions not stated): ExAC 0.00002.

Submission:

Labcorp Genetics (formerly Invitae), Labcorp
Classification: Uncertain significance for Neuropathy, hereditary sensory and autonomic, type 2A; Pseudohypoaldosteronism type 2C. Last evaluated: 2022-10-25. Review status: criteria provided, single submitter. Criteria: Invitae Variant Classification Sherloc (09022015). Collection method: clinical testing. Allele origin: germline.
Comment: This sequence change replaces glutamic acid, which is acidic and polar, with lysine, which is basic and polar, at codon 578 of the WNK1 protein (p.Glu578Lys). In summary, the available evidence is currently insufficient to determine the role of this variant in disease. Therefore, it has been classified as a Variant of Uncertain Significance. Advanced modeling of protein sequence and biophysical properties (such as structural, functional, and spatial information, amino acid conservation, physicochemical variation, residue mobility, and thermodynamic stability) performed at Invitae indicates that this missense variant is not expected to disrupt WNK1 protein function. This variant has not been reported in the literature in individuals affected with WNK1-related conditions. This variant is present in population databases (rs764245463, gnomAD 0.01%).

NM_018979.4(WNK1):c.1732G>A (p.Glu578Lys)

Gene: WNK1 (WNK lysine deficient protein kinase 1; plus strand). Cytogenetic location: 12p13.33.
Variant type: single nucleotide variant.
Coding change: c.1732G>A on transcript NM_018979.4 (MANE Select); coding-DNA position 1732, G replaced by A.
Protein change: p.Glu578Lys; replaces glutamic acid 578 with lysine.
Molecular consequence: missense variant.
Genome position (GRCh38, 1-based): chr12:861,124, G>A. VCF-style: chr12-861124-G-A. GRCh37 (hg19) VCF-style: chr12-970290-G-A.
Other names: c.1732G>A, p.Glu578Lys (NM_001184985.2, NM_014823.3, NM_213655.5); short protein forms E578K.
Identifiers: ClinVar variation 2145916 (VCV002145916.4), dbSNP rs764245463, ClinGen allele CA6382014.